The following is an entry in ClinVar:

ClinVar aggregate classification (germline): Uncertain significance (1 of 4 stars; one submission).

Conditions:
Hereditary cancer-predisposing syndrome. Also called: Tumor predisposition; Hereditary neoplastic syndrome; Hereditary Cancer Syndrome; Neoplastic Syndromes, Hereditary. Identifiers: Orphanet 140162, MedGen C0027672, MeSH D009386, MONDO:0015356.

gnomAD v4.1: 1 of 1,606,362 alleles (0.000062%); highest among the groups gnomAD compares: Non-Finnish European, 0.000085%; no homozygotes.

Submission:

Ambry Genetics
Classification: Uncertain significance for Hereditary cancer-predisposing syndrome. Last evaluated: 2023-11-29. Review status: criteria provided, single submitter. Criteria: Ambry Variant Classification Scheme 2023. Collection method: clinical testing. Allele origin: germline.
Comment: The p.G1049R variant (also known as c.3145G>A), located in coding exon 15 of the BLM gene, results from a G to A substitution at nucleotide position 3145. The glycine at codon 1049 is replaced by arginine, an amino acid with dissimilar properties. This amino acid position is not well conserved in available vertebrate species. In addition, this alteration is predicted to be tolerated by in silico analysis. Since supporting evidence is limited at this time, the clinical significance of this alteration remains unclear.

NM_000057.4(BLM):c.3145G>A (p.Gly1049Arg)

Gene: BLM (BLM RecQ like helicase; plus strand). Cytogenetic location: 15q26.1.
Variant type: single nucleotide variant.
Coding change: c.3145G>A on transcript NM_000057.4 (MANE Select); coding-DNA position 3145, G replaced by A.
Protein change: p.Gly1049Arg; replaces glycine 1049 with arginine.
Molecular consequence: missense variant.
Genome position (GRCh38, 1-based): chr15:90,794,292, G>A. VCF-style: chr15-90794292-G-A. GRCh37 (hg19) VCF-style: chr15-91337522-G-A.
Other names: c.3145G>A, p.Gly1049Arg (NM_001287246.2, NM_001287247.2); c.2020G>A, p.Gly674Arg (NM_001287248.2); short protein forms G1049R, G674R.
Identifiers: ClinVar variation 3224392 (VCV003224392.1), dbSNP rs1188753950, ClinGen allele CA393846932.